The following is an entry in ClinVar:

NM_016169.4(SUFU):c.1438G>T (p.Asp480Tyr)

Gene: SUFU (SUFU negative regulator of hedgehog signaling; plus strand). Cytogenetic location: 10q24.32.
Variant type: single nucleotide variant.
Coding change: c.1438G>T on transcript NM_016169.4 (MANE Select); coding-DNA position 1438, G replaced by T.
Protein change: p.Asp480Tyr; replaces aspartic acid 480 with tyrosine.
Molecular consequence: missense variant.
Genome position (GRCh38, 1-based): chr10:102,630,138, G>T. VCF-style: chr10-102630138-G-T. GRCh37 (hg19) VCF-style: chr10-104389895-G-T.
Other names: short protein forms D480Y.
Identifiers: ClinVar variation 5030398 (VCV005030398.1).

ClinVar aggregate classification (germline): Uncertain significance (1 of 4 stars; one submission).

Conditions:
Hereditary cancer-predisposing syndrome. Also called: Neoplastic Syndromes, Hereditary; Tumor predisposition; Hereditary neoplastic syndrome; Hereditary Cancer Syndrome. Identifiers: Orphanet 140162, MedGen C0027672, MeSH D009386, MONDO:0015356.

Submission:

Ambry Genetics
Classification: Uncertain significance for Hereditary cancer-predisposing syndrome. Last evaluated: 2026-07-07. Review status: criteria provided, single submitter. Criteria: Ambry Variant Classification Scheme 2023. Collection method: clinical testing. Allele origin: germline.
Comment: The p.D480Y variant (also known as c.1438G>T), located in coding exon 12 of the SUFU gene, results from a G to T substitution at nucleotide position 1438. The aspartic acid at codon 480 is replaced by tyrosine, an amino acid with highly dissimilar properties. This amino acid position is conserved. In addition, this alteration is predicted to be deleterious by in silico analysis. Based on the available evidence, the clinical significance of this variant remains unclear.